The following is an entry in ClinVar:

ClinVar aggregate classification (germline): Uncertain significance (1 of 4 stars; one submission).

Conditions:
KSR2-related disorder. Also called: KSR2-related condition.

gnomAD v4.1: 2 of 1,609,292 alleles (0.00012%); highest among the groups gnomAD compares: African/African-American, 0.0013%; no homozygotes.

Submission:

PreventionGenetics, part of Exact Sciences
Classification: Uncertain significance for KSR2-related condition. Last evaluated: 2025-10-14. Review status: criteria provided, single submitter. Criteria: ACMG Guidelines, 2015. Collection method: clinical testing. Allele origin: germline.
Comment: The KSR2 c.941G>T variant is predicted to result in the amino acid substitution p.Ser314Ile. To our knowledge, this variant has not been reported in the literature. This variant is reported in 0.0% of alleles in individuals of African descent in gnomAD. At this time, the clinical significance of this variant is uncertain due to the absence of conclusive functional and genetic evidence.

NM_173598.6(KSR2):c.1028G>T (p.Ser343Ile)

Gene: KSR2 (kinase suppressor of ras 2; minus strand). Cytogenetic location: 12q24.22.
Variant type: single nucleotide variant.
Coding change: c.1028G>T on transcript NM_173598.6 (MANE Select); coding-DNA position 1028, G replaced by T.
Protein change: p.Ser343Ile; replaces serine 343 with isoleucine.
Molecular consequence: missense variant.
Genome position (GRCh38, 1-based): chr12:117,667,617, C>A on the plus strand (G>T on the coding strand, the complement: KSR2 is on the minus strand). VCF-style: chr12-117667617-C-A. GRCh37 (hg19) VCF-style: chr12-118105422-C-A.
Other names: short protein forms S343I.
Identifiers: ClinVar variation 4979762 (VCV004979762.1).